The following is an entry in ClinVar:

ClinVar aggregate classification (germline): Pathogenic (1 of 4 stars; one submission).

Conditions:
Diamond-Blackfan anemia. Also called: Blackfan Diamond syndrome; Aregenerative anemia chronic congenital; Red cell aplasia, pure hereditary; Congenital hypoplastic anemia; Aase syndrome. Identifiers: Orphanet 124, MedGen C1260899, MeSH D029503, MONDO:0015253, HP:0004810.

Submission:

Labcorp Genetics (formerly Invitae), Labcorp
Classification: Pathogenic for Diamond-Blackfan anemia. Last evaluated: 2020-08-25. Review status: criteria provided, single submitter. Criteria: Invitae Variant Classification Sherloc (09022015). Collection method: clinical testing. Allele origin: germline.
Comment: This sequence change creates a premature translational stop signal (p.Phe21Cysfs*31) in the RPS19 gene. It is expected to result in an absent or disrupted protein product. This variant is not present in population databases (ExAC no frequency). This variant has not been reported in the literature in individuals with RPS19-related conditions. Loss-of-function variants in RPS19 are known to be pathogenic (PMID: 20960466). For these reasons, this variant has been classified as Pathogenic.

Literature cited by the submitters: PubMed 20960466.

NM_001022.4(RPS19):c.58_61dup (p.Phe21fs)

Genes: RPS19 (ribosomal protein S19; plus strand), RPS19-CD79A (RPS19-CD79A readthrough; plus strand). Cytogenetic location: 19q13.2.
Variant type: Duplication.
Coding change: c.58_61dup on transcript NM_001022.4 (MANE Select); coding-DNA positions 58 to 61, 4 bases duplicated (GCCT; older notation c.58_61dupGCCT).
Protein change: p.Phe21fs; shifts the reading frame from phenylalanine 21.
Molecular consequence: frameshift variant.
Genome position (GRCh38, 1-based): chr19:41,860,832-41,860,835, GCCT duplicated. VCF-style (leftmost placement, unchanged base first): chr19-41860831-A-AGCCT. GRCh37 (hg19) VCF-style: chr19-42364901-A-AGCCT.
Other names: c.58_61dup, p.Phe21fs (NM_001321483.2, NM_001321484.2, NM_001321485.2); short protein forms F21fs.
Identifiers: ClinVar variation 1072173 (VCV001072173.7), dbSNP rs2123256254, ClinGen allele CA2499225503.